The following is an entry in ClinVar:

NM_015450.3(POT1):c.1127A>G (p.Gln376Arg)

Gene: POT1 (protection of telomeres 1; minus strand). Cytogenetic location: 7q31.33.
Variant type: single nucleotide variant.
Coding change: c.1127A>G on transcript NM_015450.3 (MANE Select); coding-DNA position 1127, A replaced by G.
Protein change: p.Gln376Arg; replaces glutamine 376 with arginine.
Molecular consequence: missense variant. On other transcripts: non-coding transcript variant (3).
Genome position (GRCh38, 1-based): chr7:124,842,843, T>C on the plus strand (A>G on the coding strand, the complement: POT1 is on the minus strand). VCF-style: chr7-124842843-T-C. GRCh37 (hg19) VCF-style: chr7-124482897-T-C.
Other names: c.734A>G, p.Gln245Arg (NM_001042594.2); short protein forms Q376R, Q245R.
Identifiers: ClinVar variation 475020 (VCV000475020.77), dbSNP rs143635917, ClinGen allele CA4465221.

ClinVar aggregate classification (germline): Conflicting classifications of pathogenicity. Review status: criteria provided, conflicting classifications (1 of 4 stars). 16 submissions from 16 submitters: Uncertain significance (8); Benign (1); Likely benign (4). 3 of the submissions do not count toward it. Last evaluated 2026-02-04.

Conditions:
Tumor predisposition syndrome 3 (TPDS3). Also called: Glioma susceptibility 9; Melanoma, cutaneous malignant, susceptibility to, 10; LONG TELOMERE SYNDROME, POT1-RELATED; POT1 Tumor Predisposition. Identifiers: Orphanet 618, MedGen C4014476, MONDO:0014368, OMIM 615848.
POT1-related disorder. Also called: POT1-related condition.
Diffuse midline glioma, H3 K27-altered. Identifiers: MedGen C5669877, MONDO:1060171.
Hereditary cancer-predisposing syndrome. Also called: Hereditary neoplastic syndrome; Tumor predisposition; Neoplastic Syndromes, Hereditary; Hereditary Cancer Syndrome. Identifiers: Orphanet 140162, MedGen C0027672, MeSH D009386, MONDO:0015356.
Hereditary cancer. Identifiers: MedGen C1333600.

Allele frequency attached by ClinVar (database versions not stated): 1000 Genomes Project 30x 0.00016; 1000 Genomes Project 0.00020; TOPMed 0.00035; ExAC 0.00040; gnomAD 0.00042; gnomAD exomes 0.00045 and 0.00052; ESP Exome Variant Server 0.00054.
gnomAD v4.1: 834 of 1,602,376 alleles (0.052%); highest among the groups gnomAD compares: Middle Eastern, 0.099%; no homozygotes.

Submissions (16):

Labcorp Genetics (formerly Invitae), Labcorp
Classification: Likely benign for Tumor predisposition syndrome 3. Last evaluated: 2026-02-04. Review status: criteria provided, single submitter. Criteria: Invitae Variant Classification Sherloc (09022015). Collection method: clinical testing. Allele origin: germline.

Quest Diagnostics Nichols Institute San Juan Capistrano
Classification: Benign. Last evaluated: 2025-09-27. Review status: criteria provided, single submitter. Criteria: Quest Diagnostics criteria. Collection method: clinical testing. Allele origin: unknown.

Mendelics
Classification: Uncertain significance for Hereditary cancer. Last evaluated: 2025-06-23. Review status: criteria provided, single submitter. Criteria: ACMG Guidelines, 2015. Collection method: clinical testing. Allele origin: unknown.
Comment: The available evidence is insufficient to conclusively determine the role of this variant. Therefore, it is classified as a Variant of Uncertain Significance.

GeneDx
Classification: Uncertain significance. Last evaluated: 2025-05-28. Review status: criteria provided, single submitter. Criteria: GeneDx Variant Classification Process June 2021. Collection method: clinical testing. Allele origin: germline. Affected: yes.
Comment: Observed in individuals with a personal or family history of leukemia, osteosarcoma, melanoma, and/or other cancers, as well as in unaffected controls (PMID: 27528712, 28592523, 32449991, 32191290, 38688277, 36539277); In silico analysis suggests that this missense variant does not alter protein structure/function; This variant is associated with the following publications: (PMID: 28829750, 28853721, 27528712, 32449991, 32191290, 32987645, 28592523, 32033110, 28393830, 34426522, 37183325, 36031433, 36876055, 38626793, 38254993, 38688277, 36539277, 40350252)

PreventionGenetics, part of Exact Sciences
Classification: Likely benign for POT1-related condition. Last evaluated: 2025-05-08. Review status: criteria provided, single submitter. Criteria: ACMG Guidelines, 2015. Collection method: clinical testing. Allele origin: germline.
Comment: This variant is classified as likely benign based on ACMG/AMP sequence variant interpretation guidelines (Richards et al. 2015 PMID: 25741868, with internal and published modifications).

Center for Genomic Medicine, Rigshospitalet, Copenhagen University Hospital
Classification: Uncertain significance. Last evaluated: 2025-03-04. Review status: criteria provided, single submitter. Criteria: ACMG Guidelines, 2015. Collection method: clinical testing. Allele origin: germline.

St. Jude Molecular Pathology, St. Jude Children's Research Hospital
Classification: Uncertain significance for Tumor predisposition syndrome 3. Last evaluated: 2025-02-05. Review status: criteria provided, single submitter. Criteria: St. Jude Assertion Criteria 2020. Collection method: clinical testing. Allele origin: germline.
Comment: The POT1 c.1127A>G (p.Gln376Arg) missense change has a maximum founder subpopulation frequency of 0.4% and a maximum non-founder subpopulation frequency of 0.05% in gnomAD v2.1.1. The in silico tool REVEL predicts a benign effect on protein function, but to our knowledge this prediction has not been confirmed by functional studies. This variant has been reported in an individual with chronic lymphocytic leukemia (PMID: 27528712). In summary, the evidence currently available is insufficient to determine the clinical significance of this variant. It has therefore been classified as of uncertain significance.

Blueprint Genetics
Classification: Likely benign. Last evaluated: 2024-11-18. Review status: criteria provided, single submitter. Criteria: ACMG Guidelines, 2015. Collection method: clinical testing. Allele origin: germline.

CeGaT Center for Human Genetics Tuebingen
Classification: Uncertain significance. Last evaluated: 2024-10-01. Review status: criteria provided, single submitter. Criteria: CeGaT Center For Human Genetics Tuebingen Variant Classification Criteria Version 2. Collection method: clinical testing. Allele origin: germline. Affected: yes. Observed: 4 variant alleles.
Comment: POT1: PM2:Supporting, BP4

Sema4
Classification: Uncertain significance for Hereditary cancer-predisposing syndrome. Last evaluated: 2021-12-05. Review status: criteria provided, single submitter. Criteria: Sema4 Curation Guidelines. Collection method: curation. Allele origin: germline.
Comment: The POT1 c.1127A>G (p.Q376R) variant has been reported in individuals with chronic lymphocytic leukemia (CLL), early-onset colorectal cancer, and in an individual with osteosarcoma and cutaneous melanoma (PMID: 27528712; 28592523, 32449991). This variant was observed in 39/9970 chromosomes in the Ashkenazi Jewish population, with no homozygotes, according to the Genome Aggregation Database (PMID: 27535533). This variant involves a highly conserved amino acid, and computational analyses do not provide strong support for or against an impact to the protein, though these predictions have not been confirmed by published functional studies. The variant has been reported in ClinVar (Variation ID: 475020). There is no indication that this variant causes disease, but the evidence is insufficient currently to prove that conclusively. Based on the current evidence available, this variant is interpreted as a variant of uncertain significance.

Ambry Genetics
Classification: Likely benign for Hereditary cancer-predisposing syndrome. Last evaluated: 2021-08-16. Review status: criteria provided, single submitter. Criteria: Ambry Variant Classification Scheme 2023. Collection method: clinical testing. Allele origin: germline.

Laboratory of Medical Genetics Unit, Bambino Gesù Children's Hospital
Classification: Uncertain significance for Diffuse midline glioma, H3 K27-altered. Last evaluated: 2021-08-05. Review status: criteria provided, single submitter. Criteria: ACMG Guidelines, 2015. Collection method: research. Allele origin: maternal. Affected: yes. Observed: 1 heterozygote.

Genetic Services Laboratory, University of Chicago
Classification: Uncertain significance. Last evaluated: 2018-06-05. Review status: criteria provided, single submitter. Criteria: ACMG Guidelines, 2015. Collection method: clinical testing. Allele origin: germline. Affected: no.

Clinical Genetics DNA and cytogenetics Diagnostics Lab, Erasmus MC, Erasmus Medical Center
Classification: Uncertain significance. Review status: no assertion criteria provided. Collection method: clinical testing. Allele origin: germline. Affected: yes. Study: VKGL Data-share Consensus. Not counted in ClinVar's aggregate classification.

Department of Pathology and Laboratory Medicine, Sinai Health System
Classification: Uncertain significance. Review status: no assertion criteria provided. Collection method: clinical testing. Allele origin: unknown. Affected: yes. Study: The Canadian Open Genetics Repository (COGR). Not counted in ClinVar's aggregate classification.
Comment: The POT1 p.Gln245Arg variant was identified in dbSNP (ID: rs143635917) LOVD 3.0 and ClinVar (classified as likely benign by Invitae and as a VUS by Ambry Genetics) but was not identified in Cosmic. The variant was also identified in control databases in 122 of 270546 chromosomes at a frequency of 0.000451 increasing the likelihood this could be a low frequency benign variant (Genome Aggregation Database Feb 27, 2017). The variant was observed in the following populations: Ashkenazi Jewish in 39 of 9970 chromosomes (freq: 0.003912), European (non-Finnish) in 68 of 126202 chromosomes (freq: 0.000539), Latino in 11 of 31590 chromosomes (freq: 0.000348), Other in 2 of 6986 chromosomes (freq: 0.000286), African in 1 of 24778 chromosomes (freq: 0.00004) and European (Finnish) in 1 of 24964 chromosomes (freq: 0.00004); it was not observed in the East Asian and South Asian populations. This variant was found at a higher frequency in patients with chronic lymphocytic leukemia compared to controls (Speedy_2016_PMID:27528712). The p.Gln245 residue is conserved in mammals however computational analyses (PolyPhen-2, SIFT, AlignGVGD, BLOSUM, MutationTaster) provide inconsistent predictions regarding the impact to the protein; this information is not very predictive of pathogenicity. The variant occurs outside of the splicing consensus sequence and 3 of 4 in silico or computational prediction software programs (SpliceSitFinder, NNSPLICE, GeneSplicer) do not predict a difference in splicing. In summary, based on the above information the clinical significance of this variant cannot be determined with certainty at this time. This variant is classified as a variant of uncertain significance.

Diagnostic Laboratory, Department of Genetics, University Medical Center Groningen
Classification: Uncertain significance. Review status: no assertion criteria provided. Collection method: clinical testing. Allele origin: germline. Affected: yes. Study: VKGL Data-share Consensus. Not counted in ClinVar's aggregate classification.

Literature cited by the submitters: PubMed 27528712 (cited by 4 submitters); PubMed 32449991 (cited by 3 submitters); PubMed 28592523 (cited by Quest Diagnostics Nichols Institute San Juan Capistrano and Ambry Genetics); PubMed 32191290 (cited by Quest Diagnostics Nichols Institute San Juan Capistrano); PubMed 36539277 (cited by Quest Diagnostics Nichols Institute San Juan Capistrano).